The following is an entry in ClinVar:

NM_153704.6(TMEM67):c.2239C>T (p.Gln747Ter)

Gene: TMEM67 (transmembrane protein 67; plus strand). Cytogenetic location: 8q22.1.
Variant type: single nucleotide variant.
Coding change: c.2239C>T on transcript NM_153704.6 (MANE Select); coding-DNA position 2239, C replaced by T.
Protein change: p.Gln747Ter; replaces glutamine 747 with a stop codon.
Molecular consequence: nonsense. On other transcripts: non-coding transcript variant (1).
Genome position (GRCh38, 1-based): chr8:93,799,756, C>T. VCF-style: chr8-93799756-C-T. GRCh37 (hg19) VCF-style: chr8-94811984-C-T.
Other names: c.1996C>T, p.Gln666Ter (NM_001142301.1); short protein forms Q666*, Q747*.
Identifiers: ClinVar variation 2949550 (VCV002949550.3), dbSNP rs764097983, ClinGen allele CA371695938.

ClinVar aggregate classification (germline): Pathogenic (1 of 4 stars; one submission).

Conditions:
Joubert syndrome. Also called: CEREBELLOPARENCHYMAL DISORDER IV; JOUBERT-BOLTSHAUSER SYNDROME; Familial aplasia of the vermis. Identifiers: Orphanet 475, MedGen C5979921, MONDO:0018772.
Meckel-Gruber syndrome. Also called: DYSENCEPHALIA SPLANCHNOCYSTICA; GRUBER SYNDROME; Dysencephalia splachnocystica. Identifiers: Orphanet 564, MedGen C0265215, MONDO:0018921.

Submission:

Labcorp Genetics (formerly Invitae), Labcorp
Classification: Pathogenic for Joubert syndrome; Meckel-Gruber syndrome. Last evaluated: 2024-03-02. Review status: criteria provided, single submitter. Criteria: Invitae Variant Classification Sherloc (09022015). Collection method: clinical testing. Allele origin: germline.
Comment: This sequence change creates a premature translational stop signal (p.Gln747*) in the TMEM67 gene. It is expected to result in an absent or disrupted protein product. Loss-of-function variants in TMEM67 are known to be pathogenic (PMID: 20232449, 23559409). This variant is not present in population databases (gnomAD no frequency). This variant has not been reported in the literature in individuals affected with TMEM67-related conditions. For these reasons, this variant has been classified as Pathogenic.

Literature cited by the submitters: PubMed 20232449; PubMed 23559409.